The following is an entry in ClinVar:

NM_015533.4(TKFC):c.200T>C (p.Ile67Thr)

Gene: TKFC (triokinase and FMN cyclase; plus strand). Cytogenetic location: 11q12.2.
Variant type: single nucleotide variant.
Coding change: c.200T>C on transcript NM_015533.4 (MANE Select); coding-DNA position 200, T replaced by C.
Protein change: p.Ile67Thr; replaces isoleucine 67 with threonine.
Molecular consequence: missense variant. On other transcripts: 5 prime UTR variant (1).
Genome position (GRCh38, 1-based): chr11:61,339,072, T>C. VCF-style: chr11-61339072-T-C. GRCh37 (hg19) VCF-style: chr11-61106544-T-C.
Other names: c.200T>C, p.Ile67Thr (NM_001351977.2, NM_001351978.2, NM_001351979.2 and 1 more transcripts); c.-11T>C (NM_001351980.2); short protein forms I67T.
Identifiers: ClinVar variation 3388029 (VCV003388029.14).

ClinVar aggregate classification (germline): Likely benign (1 of 4 stars; one submission).

gnomAD v4.1: 866 of 1,612,392 alleles (0.054%); highest among the groups gnomAD compares: East Asian, 1.2%; 8 homozygotes.

Submission:

CeGaT Center for Human Genetics Tuebingen
Classification: Likely benign. Last evaluated: 2024-09-01. Review status: criteria provided, single submitter. Criteria: CeGaT Center For Human Genetics Tuebingen Variant Classification Criteria Version 2. Collection method: clinical testing. Allele origin: germline. Affected: yes. Observed: 1 variant allele.
Comment: TKFC: BS1